The following is an entry in ClinVar:

ClinVar aggregate classification (germline): Uncertain significance (1 of 4 stars; one submission).

Conditions:
Hereditary spastic paraplegia 11. Also called: Spastic Paraplegia 11; SPASTIC PARAPLEGIA, AUTOSOMAL RECESSIVE, COMPLICATED, WITH THIN CORPUS CALLOSUM; SPASTIC PARAPLEGIA, AUTOSOMAL RECESSIVE, WITH MENTAL IMPAIRMENT AND THIN CORPUS CALLOSUM; Spastic paraplegia, mental retardation and thin corpus callosum; Nakamura Osame syndrome; Autosomal recessive hereditary spastic paraplegia, mental impairment, and thin corpus callosum. Identifiers: Orphanet 2822, MedGen C1858479, MONDO:0011445, OMIM 604360.

Submission:

Labcorp Genetics (formerly Invitae), Labcorp
Classification: Uncertain significance for Hereditary spastic paraplegia 11. Last evaluated: 2018-08-20. Review status: criteria provided, single submitter. Criteria: Invitae Variant Classification Sherloc (09022015). Collection method: clinical testing. Allele origin: germline.
Comment: In summary, the available evidence is currently insufficient to determine the role of this variant in disease. Therefore, it has been classified as a Variant of Uncertain Significance. This variant, c.4637_4638insATC, is a complex sequence change that results in the insertion of two amino acids of the SPG11 protein (p.Asp1546delinsGluSer). This variant is not present in population databases (ExAC no frequency). This variant has not been reported in the literature in individuals with SPG11-related disease. Experimental studies and prediction algorithms are not available for this variant, and the functional significance of the affected amino acid(s) is currently unknown.

NM_025137.4(SPG11):c.4637_4638insATC (p.Asp1546delinsGluSer)

Gene: SPG11 (SPG11 vesicle trafficking associated, spatacsin; minus strand). Cytogenetic location: 15q21.1.
Variant type: Insertion.
Coding change: c.4637_4638insATC on transcript NM_025137.4 (MANE Select); coding-DNA positions 4637 to 4638, ATC inserted.
Protein change: p.Asp1546delinsGluSer.
Molecular consequence: inframe indel.
Genome position: GRCh38 VCF-style: chr15-44592436-A-AGAT. GRCh37 (hg19) VCF-style: chr15-44884634-A-AGAT.
Other names: c.4637_4638insATC, p.Asp1546delinsGluSer (NM_001160227.2).
Identifiers: ClinVar variation 647492 (VCV000647492.8), dbSNP rs1595855150, ClinGen allele CA915946008.